The following is an entry in ClinVar:

ClinVar aggregate classification (germline): Uncertain significance (1 of 4 stars; one submission).

gnomAD v4.1: 14 of 1,614,030 alleles (0.00087%); highest among the groups gnomAD compares: South Asian, 0.015%; no homozygotes.

Submission:

Ambry Genetics
Classification: Uncertain significance. Last evaluated: 2024-11-15. Review status: criteria provided, single submitter. Criteria: Ambry Variant Classification Scheme 2023. Collection method: clinical testing. Allele origin: germline.
Comment: The p.G1065D variant (also known as c.3194G>A), located in coding exon 18 of the PALLD gene, results from a G to A substitution at nucleotide position 3194. The glycine at codon 1065 is replaced by aspartic acid, an amino acid with similar properties. This amino acid position is conserved. In addition, this alteration is predicted to be deleterious by in silico analysis. Based on the available evidence, the clinical significance of this variant remains unclear.

NM_001166108.2(PALLD):c.3245G>A (p.Gly1082Asp)

Genes: CBR4 (carbonyl reductase 4; minus strand), PALLD (palladin, cytoskeletal associated protein; plus strand). Cytogenetic location: 4q32.3.
Variant type: single nucleotide variant.
Coding change: c.3245G>A on transcript NM_001166108.2 (MANE Select); coding-DNA position 3245, G replaced by A.
Protein change: p.Gly1082Asp; replaces glycine 1082 with aspartic acid.
Molecular consequence: missense variant.
Genome position (GRCh38, 1-based): chr4:168,924,965, G>A. VCF-style: chr4-168924965-G-A. GRCh37 (hg19) VCF-style: chr4-169846116-G-A.
Other names: c.2048G>A, p.Gly683Asp (NM_001166109.2); c.1733G>A, p.Gly578Asp (NM_001166110.2); c.1073G>A, p.Gly358Asp (NM_001367567.1, NM_001367569.1); c.1124G>A, p.Gly375Asp (NM_001367568.1, NM_001367570.1); c.3194G>A, p.Gly1065Asp (NM_016081.4); short protein forms G578D, G1065D, G1082D, G375D, G358D, G683D.
Identifiers: ClinVar variation 3413664 (VCV003413664.1).